The following is an entry in ClinVar:

ClinVar aggregate classification (germline): Conflicting classifications of pathogenicity. Review status: criteria provided, conflicting classifications (1 of 4 stars). 4 submissions from 4 submitters: Uncertain significance (1); Benign (1); Likely benign (1). 1 of the submissions does not count toward it. Last evaluated 2025-12-01.

Conditions:
Hereditary spastic paraplegia. Also called: Familial spastic paraparesis. Identifiers: Orphanet 685, MedGen C0037773, MONDO:0019064. Disease mechanism: loss of function.
Spastic paraplegia. Identifiers: MedGen C0037772, HP:0001258.
GJC2-related disorder. Also called: GJC2-related condition; GJC2-related disorders. Identifiers: MedGen CN230087.

Allele frequency attached by ClinVar (database versions not stated): gnomAD 0.00004 and 0.00034; TOPMed 0.00006; ESP Exome Variant Server 0.00015; gnomAD exomes 0.00061 and 0.00115; 1000 Genomes Project 30x 0.00109; ExAC 0.00136; 1000 Genomes Project 0.00140.
gnomAD v4.1: 929 of 1,609,102 alleles (0.058%); highest among the groups gnomAD compares: South Asian, 0.96%; 7 homozygotes.

Submissions (4):

Labcorp Genetics (formerly Invitae), Labcorp
Classification: Benign for Spastic paraplegia. Last evaluated: 2025-12-01. Review status: criteria provided, single submitter. Criteria: Invitae Variant Classification Sherloc (09022015). Collection method: clinical testing. Allele origin: germline.

Blueprint Genetics
Classification: Likely benign. Last evaluated: 2024-10-25. Review status: criteria provided, single submitter. Criteria: ACMG Guidelines, 2015. Collection method: clinical testing. Allele origin: germline.

Genome Diagnostics Laboratory, The Hospital for Sick Children
Classification: Uncertain significance for Hereditary spastic paraplegia. Last evaluated: 2016-12-12. Review status: criteria provided, single submitter. Criteria: ACMG Guidelines, 2015. Collection method: clinical testing. Allele origin: germline. Affected: yes.

PreventionGenetics, part of Exact Sciences
Classification: Likely benign for GJC2-related condition. Last evaluated: 2022-01-03. Review status: no assertion criteria provided. Collection method: clinical testing. Allele origin: germline. Not counted in ClinVar's aggregate classification.
Comment: This variant is classified as likely benign based on ACMG/AMP sequence variant interpretation guidelines (Richards et al. 2015 PMID: 25741868, with internal and published modifications).

NM_020435.4(GJC2):c.285G>A (p.Leu95=)

Gene: GJC2 (gap junction protein gamma 2; plus strand). Cytogenetic location: 1q42.13.
Variant type: single nucleotide variant.
Coding change: c.285G>A on transcript NM_020435.4 (MANE Select); coding-DNA position 285, G replaced by A.
Protein change: p.Leu95=; no amino-acid change (leucine 95 retained).
Molecular consequence: synonymous variant.
Genome position (GRCh38, 1-based): chr1:228,158,043, G>A. VCF-style: chr1-228158043-G-A. GRCh37 (hg19) VCF-style: chr1-228345744-G-A.
Identifiers: ClinVar variation 1166478 (VCV001166478.15), dbSNP rs148764840, ClinGen allele CA1430833.